The following is an entry in ClinVar:

NM_000742.4(CHRNA2):c.710C>T (p.Thr237Met)

Gene: CHRNA2 (cholinergic receptor nicotinic alpha 2 subunit; minus strand). Cytogenetic location: 8p21.2.
Variant type: single nucleotide variant.
Coding change: c.710C>T on transcript NM_000742.4 (MANE Select); coding-DNA position 710, C replaced by T.
Protein change: p.Thr237Met; replaces threonine 237 with methionine.
Molecular consequence: missense variant.
Genome position (GRCh38, 1-based): chr8:27,463,733, G>A on the plus strand (C>T on the coding strand, the complement: CHRNA2 is on the minus strand). VCF-style: chr8-27463733-G-A. GRCh37 (hg19) VCF-style: chr8-27321250-G-A.
Other names: c.665C>T, p.Thr222Met (NM_001282455.2); c.233C>T, p.Thr78Met (NM_001347705.2, NM_001347706.2); c.116C>T, p.Thr39Met (NM_001347707.2, NM_001347708.2); short protein forms T222M, T237M, T39M, T78M.
Identifiers: ClinVar variation 4796970 (VCV004796970.1).

ClinVar aggregate classification (germline): Uncertain significance (1 of 4 stars; one submission).

Conditions:
Familial sleep-related hypermotor epilepsy. Also called: Autosomal Dominant Sleep-Related Hypermotor (Hyperkinetic) Epilepsy. Identifiers: Orphanet 98784, MedGen C3696898, MONDO:0000030.

Submission:

Labcorp Genetics (formerly Invitae), Labcorp
Classification: Uncertain significance. Last evaluated: 2025-02-16. Review status: criteria provided, single submitter. Criteria: Invitae Variant Classification Sherloc (09022015). Collection method: clinical testing. Allele origin: germline.
Comment: This sequence change replaces threonine, which is neutral and polar, with methionine, which is neutral and non-polar, at codon 237 of the CHRNA2 protein (p.Thr237Met). This variant is not present in population databases (gnomAD no frequency). This variant has not been reported in the literature in individuals affected with CHRNA2-related conditions. Invitae Evidence Modeling of protein sequence and biophysical properties (such as structural, functional, and spatial information, amino acid conservation, physicochemical variation, residue mobility, and thermodynamic stability) indicates that this missense variant is not expected to disrupt CHRNA2 protein function with a negative predictive value of 80%. In summary, the available evidence is currently insufficient to determine the role of this variant in disease. Therefore, it has been classified as a Variant of Uncertain Significance.